The following is an entry in ClinVar:

ClinVar aggregate classification (germline): Pathogenic (1 of 4 stars; one submission).

Conditions:
Developmental and epileptic encephalopathy, 12 (DEE12). Identifiers: MedGen C3150988, MONDO:0013389, OMIM 613722.

Allele frequency attached by ClinVar (database versions not stated): TOPMed 0.00001; gnomAD 0.00002.
gnomAD v4.1: 3 of 1,614,054 alleles (0.00019%); highest among the groups gnomAD compares: Admixed American, 0.005%; no homozygotes.

Submission:

Labcorp Genetics (formerly Invitae), Labcorp
Classification: Pathogenic for Developmental and epileptic encephalopathy, 12. Last evaluated: 2020-05-29. Review status: criteria provided, single submitter. Criteria: Invitae Variant Classification Sherloc (09022015). Collection method: clinical testing. Allele origin: germline.
Comment: This variant is not present in population databases (ExAC no frequency). This sequence change creates a premature translational stop signal (p.Trp106*) in the PNKP gene. It is expected to result in an absent or disrupted protein product. This variant has not been reported in the literature in individuals with PNKP-related conditions. Loss-of-function variants in PNKP are known to be pathogenic (PMID: 20118933, 25728773). For these reasons, this variant has been classified as Pathogenic.

Literature cited by the submitters: PubMed 20118933; PubMed 25728773.

NM_007254.4(PNKP):c.318G>A (p.Trp106Ter)

Gene: PNKP (polynucleotide kinase 3'-phosphatase; minus strand). Cytogenetic location: 19q13.33.
Variant type: single nucleotide variant.
Coding change: c.318G>A on transcript NM_007254.4 (MANE Select); coding-DNA position 318, G replaced by A.
Protein change: p.Trp106Ter; replaces tryptophan 106 with a stop codon.
Molecular consequence: nonsense.
Genome position (GRCh38, 1-based): chr19:49,865,307, C>T on the plus strand (G>A on the coding strand, the complement: PNKP is on the minus strand). VCF-style: chr19-49865307-C-T. GRCh37 (hg19) VCF-style: chr19-50368564-C-T.
Other names: short protein forms W106*.
Identifiers: ClinVar variation 1071624 (VCV001071624.9), dbSNP rs2074810148, ClinGen allele CA406890440.
Genomic context (GRCh38, chr19:49,865,307, plus strand): 5'-GGACACCAGAGGGGTGCCAGGCGGAGTATCTGGCTGGGATTCTGGTGTGCGGGTCTCTTC[C>T]CAGCGCAGGGTCAGTGGGTGGAGGCCATTGACCAAATACAGTGTGTCCCCCACCCCCAGA-3'